The following is an entry in ClinVar:

NC_000012.11:g.(?_114793327)_(114793921_?)del

Gene: TBX5 (T-box transcription factor 5; minus strand). Cytogenetic location: 12q24.21.
Variant type: Deletion.
Identifiers: ClinVar variation 1076612 (VCV001076612.7).

ClinVar aggregate classification (germline): Pathogenic (1 of 4 stars; one submission).

Conditions:
Aortic valve disease 2 (AOVD2). Identifiers: MedGen C3542024, MONDO:0013902, OMIM 614823.

Submission:

Labcorp Genetics (formerly Invitae), Labcorp
Classification: Pathogenic for Aortic valve disease 2. Last evaluated: 2020-06-16. Review status: criteria provided, single submitter. Criteria: Invitae Variant Classification Sherloc (09022015). Collection method: clinical testing. Allele origin: germline.
Comment: This variant is a gross deletion of the genomic region encompassing exon(s) 9 of the TBX5 gene. The 5' boundary is likely confined to intron 8. The 3' end of this event is unknown as it extends through the termination codon beyond the assayed region for this gene and may encompass additional genes. While this deletion is not anticipated to result in nonsense mediated decay, it is expected to create a truncated protein product or disrupt mRNA translation. This variant has not been reported in the literature in individuals with TBX5-related conditions. This variant disrupts the C-terminus of the TBX5 protein. Other variant(s) that disrupt this region (p.Tyr368*, p.Ser372*) have been determined to be pathogenic (Invitae). This suggests that variants that disrupt this region of the protein are likely to be causative of disease. For these reasons, this variant has been classified as Pathogenic.